The following is an entry in ClinVar:

NC_000014.8:g.(?_103355877)_(103357774_?)del

Gene: TRAF3 (TNF receptor associated factor 3; plus strand). Cytogenetic location: 14q32.32.
Variant type: Deletion.
Identifiers: ClinVar variation 3244028 (VCV003244028.1).

ClinVar aggregate classification (germline): Uncertain significance (1 of 4 stars; one submission).

Conditions:
Immunodeficiency 132A. Also called: Herpes simplex encephalitis, susceptibility to, 3. Identifiers: Orphanet 1930, MedGen C3553868, MONDO:0013920, OMIM 614849.

Submission:

Labcorp Genetics (formerly Invitae), Labcorp
Classification: Uncertain significance for Immunodeficiency 132A. Last evaluated: 2023-12-18. Review status: criteria provided, single submitter. Criteria: Invitae Variant Classification Sherloc (09022015). Collection method: clinical testing. Allele origin: unknown.
Comment: This variant is a gross deletion of the genomic region encompassing exon(s) 7-8 of the TRAF3 gene. This variant would be expected to be in-frame, preserving the integrity of the reading frame. This variant has not been reported in the literature in individuals affected with TRAF3-related conditions. Experimental studies and prediction algorithms are not available or were not evaluated, and the functional significance of this variant is currently unknown. In summary, the available evidence is currently insufficient to determine the role of this variant in disease. Therefore, it has been classified as a Variant of Uncertain Significance.